The following is an entry in ClinVar:

NM_017780.4(CHD7):c.322C>A (p.Pro108Thr)

Gene: CHD7 (chromodomain helicase DNA binding protein 7; plus strand). Cytogenetic location: 8q12.2.
Variant type: single nucleotide variant.
Coding change: c.322C>A on transcript NM_017780.4 (MANE Select); coding-DNA position 322, C replaced by A.
Protein change: p.Pro108Thr; replaces proline 108 with threonine.
Molecular consequence: missense variant.
Genome position (GRCh38, 1-based): chr8:60,741,754, C>A. VCF-style: chr8-60741754-C-A. GRCh37 (hg19) VCF-style: chr8-61654313-C-A.
Other names: c.322C>A, p.Pro108Thr (NM_001316690.1); short protein forms P108T.
Identifiers: ClinVar variation 4802739 (VCV004802739.1).
Genomic context (GRCh38, chr8:60,741,754, plus strand): 5'-AGAATGATGAGCAACACCCCTGGGAACGGACTCGCGTCTCCGCACTCGCAGTATCACACC[C>A]CTCCCGTTCCTCAGGTGCCCCATGGTGGCAGTGGTGGCGGTCAGATGGGTGTCTACCCTG-3'
Protein context (NP_060250.2, residues 98-118): LASPHSQYHT[Pro108Thr]PVPQVPHGGS

ClinVar aggregate classification (germline): Uncertain significance (1 of 4 stars; one submission).

Conditions:
CHARGE syndrome (CHARGE). Also called: Hittner Hirsch Kreh syndrome; CHARGE ASSOCIATION--COLOBOMA, HEART ANOMALY, CHOANAL ATRESIA, RETARDATION, GENITAL AND EAR ANOMALIES; Coloboma, heart anomaly, choanal atresia, retardation, genital and ear anomalies; CHARGE association; Hall-Hittner syndrome. Identifiers: Orphanet 138, MedGen C0265354, MONDO:0008965.

Submission:

Labcorp Genetics (formerly Invitae), Labcorp
Classification: Uncertain significance for CHARGE syndrome. Last evaluated: 2025-03-20. Review status: criteria provided, single submitter. Criteria: Invitae Variant Classification Sherloc (09022015). Collection method: clinical testing. Allele origin: germline.
Comment: This sequence change replaces proline, which is neutral and non-polar, with threonine, which is neutral and polar, at codon 108 of the CHD7 protein (p.Pro108Thr). This variant is not present in population databases (gnomAD no frequency). This variant has not been reported in the literature in individuals affected with CHD7-related conditions. Invitae Evidence Modeling of protein sequence and biophysical properties (such as structural, functional, and spatial information, amino acid conservation, physicochemical variation, residue mobility, and thermodynamic stability) indicates that this missense variant is not expected to disrupt CHD7 protein function with a negative predictive value of 95%. In summary, the available evidence is currently insufficient to determine the role of this variant in disease. Therefore, it has been classified as a Variant of Uncertain Significance.